The following is an entry in ClinVar:

NM_025215.6(PUS1):c.456C>G (p.Ala152=)

Gene: PUS1 (pseudouridine synthase 1; plus strand). Cytogenetic location: 12q24.33.
Variant type: single nucleotide variant.
Coding change: c.456C>G on transcript NM_025215.6 (MANE Select); coding-DNA position 456, C replaced by G.
Protein change: p.Ala152=; no amino-acid change (alanine 152 retained).
Molecular consequence: synonymous variant.
Genome position (GRCh38, 1-based): chr12:131,939,187, C>G. VCF-style: chr12-131939187-C-G. GRCh37 (hg19) VCF-style: chr12-132423732-C-G.
Other names: p.A152A:GCC>GCG; p.Ala152=; c.372C>G, p.Ala124= (NM_001002019.3, NM_001002020.3).
Identifiers: ClinVar variation 138852 (VCV000138852.19), dbSNP rs369170782, ClinGen allele CA292989.

ClinVar aggregate classification (germline): Benign/Likely benign. Review status: criteria provided, multiple submitters, no conflicts (2 of 4 stars). 6 submissions from 6 submitters: Benign (3); Likely benign (3). Last evaluated 2026-06-01.

Conditions:
Myopathy, lactic acidosis, and sideroblastic anemia 1 (MLASA1). Identifiers: Orphanet 2598, MedGen C4551958, MONDO:0024553, OMIM 600462.

Allele frequency attached by ClinVar (database versions not stated): ESP Exome Variant Server 0.00031; TOPMed 0.00037; gnomAD 0.00044.
gnomAD v4.1: 625 of 1,558,880 alleles (0.04%); highest among the groups gnomAD compares: Non-Finnish European, 0.0081%; 7 homozygotes.

Submissions (6):

CeGaT Center for Human Genetics Tuebingen
Classification: Likely benign. Last evaluated: 2026-06-01. Review status: criteria provided, single submitter. Criteria: CeGaT Center For Human Genetics Tuebingen Variant Classification Criteria Version 2. Collection method: clinical testing. Allele origin: germline. Affected: yes. Observed: 1 variant allele.
Comment: PUS1: BP4, BP7

Labcorp Genetics (formerly Invitae), Labcorp
Classification: Benign. Last evaluated: 2026-01-31. Review status: criteria provided, single submitter. Criteria: Invitae Variant Classification Sherloc (09022015). Collection method: clinical testing. Allele origin: germline.

Mayo Clinic Laboratories, Mayo Clinic
Classification: Benign. Last evaluated: 2025-02-04. Review status: criteria provided, single submitter. Criteria: ACMG Guidelines, 2015. Collection method: clinical testing. Allele origin: germline. Observed: 1 variant allele.
Comment: BS1, BS2, BP4, BP7

Blueprint Genetics
Classification: Likely benign. Last evaluated: 2024-10-28. Review status: criteria provided, single submitter. Criteria: ACMG Guidelines, 2015. Collection method: clinical testing. Allele origin: germline.

Illumina Laboratory Services, Illumina
Classification: Likely benign for Myopathy, lactic acidosis, and sideroblastic anemia 1. Last evaluated: 2018-01-13. Review status: criteria provided, single submitter. Criteria: ICSL Variant Classification Criteria 13 December 2019. Collection method: clinical testing. Allele origin: germline.
Comment: This variant was observed in the ICSL laboratory as part of a predisposition screen in an ostensibly healthy population. It had not been previously curated by ICSL or reported in the Human Gene Mutation Database (HGMD: prior to June 1st, 2018), and was therefore a candidate for classification through an automated scoring system. Utilizing variant allele frequency, disease prevalence and penetrance estimates, and inheritance mode, an automated score was calculated to assess if this variant is too frequent to cause the disease. Based on the score and internal cut-off values, a variant classified as likely benign is not then subjected to further curation. The score for this variant resulted in a classification of likely benign for this disease.

GeneDx
Classification: Benign. Last evaluated: 2014-05-07. Review status: criteria provided, single submitter. Criteria: GeneDx Variant Classification (06012015). Collection method: clinical testing. Allele origin: germline. Affected: yes.
Comment: This variant is considered likely benign or benign based on one or more of the following criteria: it is a conservative change, it occurs at a poorly conserved position in the protein, it is predicted to be benign by multiple in silico algorithms, and/or has population frequency not consistent with disease.